The following is an entry in ClinVar:

ClinVar aggregate classification (germline): Uncertain significance (1 of 4 stars; one submission).

Allele frequency attached by ClinVar (database versions not stated): gnomAD exomes 0.00001.

Submission:

Labcorp Genetics (formerly Invitae), Labcorp
Classification: Uncertain significance. Last evaluated: 2022-10-13. Review status: criteria provided, single submitter. Criteria: Invitae Variant Classification Sherloc (09022015). Collection method: clinical testing. Allele origin: germline.
Comment: Algorithms developed to predict the effect of sequence changes on RNA splicing suggest that this variant may disrupt the consensus splice site. In summary, the available evidence is currently insufficient to determine the role of this variant in disease. Therefore, it has been classified as a Variant of Uncertain Significance. This sequence change falls in intron 7 of the CSF2RB gene. It does not directly change the encoded amino acid sequence of the CSF2RB protein. This variant is not present in population databases (gnomAD no frequency). This variant has not been reported in the literature in individuals affected with CSF2RB-related conditions. ClinVar contains an entry for this variant (Variation ID: 1366504).

NM_000395.3(CSF2RB):c.855-6C>G

Gene: CSF2RB (colony stimulating factor 2 receptor subunit beta; plus strand). Cytogenetic location: 22q12.3.
Variant type: single nucleotide variant.
Coding change: c.855-6C>G on transcript NM_000395.3 (MANE Select); 6 bases into the intron before coding-DNA position 855, C replaced by G.
Molecular consequence: intron variant.
Genome position (GRCh38, 1-based): chr22:36,930,667, C>G. VCF-style: chr22-36930667-C-G. GRCh37 (hg19) VCF-style: chr22-37326709-C-G.
Identifiers: ClinVar variation 1366504 (VCV001366504.8), dbSNP rs2145808208, ClinGen allele CA2573158121.
Genomic context (GRCh38, chr22:36,930,667, plus strand): 5'-CCCTAAGCTCTCCTCCCTCCCGTGTGCCCTCCCTCTCCCTGCCCTCAGCTCTGCTGTGCT[C>G]CTCAGGGAGGAAGAGTGCTCCCCAGTGCTGAGGGAGGGGCTCGGCAGCCTCCACACCAGG-3'